The following is an entry in ClinVar:

ClinVar aggregate classification (germline): Benign/Likely benign. Review status: criteria provided, multiple submitters, no conflicts (2 of 4 stars). 4 submissions from 2 submitters: Benign (3); Likely benign (1). Last evaluated 2022-11-01.

Conditions:
Familial cylindromatosis. Also called: Turban tumor syndrome; ANCELL-SPIEGLER CYLINDROMAS. Identifiers: Orphanet 211, Orphanet 79493, MedGen C1851526, MONDO:0007565, OMIM 132700.
Familial multiple trichoepitheliomata. Also called: Familial multiple trichoepithelioma. Identifiers: Orphanet 79493, Orphanet 867, MedGen C1275122, MONDO:0011114.
Brooke-Spiegler syndrome. Also called: CYLD Cutaneous Syndrome. Identifiers: Orphanet 79493, MedGen C1857941, MONDO:0011512, OMIM 605041.

Allele frequency attached by ClinVar (database versions not stated): 1000 Genomes Project 0.00240; 1000 Genomes Project 30x 0.00328; TOPMed 0.00502; gnomAD 0.00515 and 0.00532; gnomAD exomes 0.00615.
gnomAD v4.1: 1,273 of 232,156 alleles (0.55%); highest among the groups gnomAD compares: Non-Finnish European, 0.8%; 3 homozygotes.

Submissions (4):

CeGaT Center for Human Genetics Tuebingen
Classification: Likely benign. Last evaluated: 2022-11-01. Review status: criteria provided, single submitter. Criteria: CeGaT Center For Human Genetics Tuebingen Variant Classification Criteria Version 2. Collection method: clinical testing. Allele origin: germline. Affected: yes. Observed: 4 variant alleles.
Comment: CYLD: BS1

Illumina Laboratory Services, Illumina
Classification: Benign for Trichoepithelioma, multiple familial, 1. Last evaluated: 2018-01-12. Review status: criteria provided, single submitter. Criteria: ICSL Variant Classification Criteria 13 December 2019. Collection method: clinical testing. Allele origin: germline.
Comment: This variant was observed in the ICSL laboratory as part of a predisposition screen in an ostensibly healthy population. It had not been previously curated by ICSL or reported in the Human Gene Mutation Database (HGMD: prior to June 1st, 2018), and was therefore a candidate for classification through an automated scoring system. Utilizing variant allele frequency, disease prevalence and penetrance estimates, and inheritance mode, an automated score was calculated to assess if this variant is too frequent to cause the disease. Based on the score and internal cut-off values, a variant classified as benign is not then subjected to further curation. The score for this variant resulted in a classification of benign for this disease.

Illumina Laboratory Services, Illumina
Classification: Benign for Brooke-Spiegler syndrome. Last evaluated: 2018-01-12. Review status: criteria provided, single submitter. Criteria: ICSL Variant Classification Criteria 13 December 2019. Collection method: clinical testing. Allele origin: germline.
Comment: the same text as in the submission from Illumina Laboratory Services, Illumina above.

Illumina Laboratory Services, Illumina
Classification: Benign for Familial cylindromatosis. Last evaluated: 2018-01-12. Review status: criteria provided, single submitter. Criteria: ICSL Variant Classification Criteria 13 December 2019. Collection method: clinical testing. Allele origin: germline.
Comment: the same text as in the submission from Illumina Laboratory Services, Illumina above.

NM_001378743.1(CYLD):c.*1575G>A

Genes: CYLD (CYLD lysine 63 deubiquitinase; plus strand), CYLD-AS2 (CYLD antisense RNA 2; minus strand). Cytogenetic location: 16q12.1.
Variant type: single nucleotide variant.
Coding change: c.*1575G>A on transcript NM_001378743.1 (MANE Select); 1575 bases downstream of the stop codon, G replaced by A.
Molecular consequence: 3 prime UTR variant. On other transcripts: non-coding transcript variant (1).
Genome position (GRCh38, 1-based): chr16:50,798,083, G>A. VCF-style: chr16-50798083-G-A. GRCh37 (hg19) VCF-style: chr16-50831994-G-A.
Other names: c.*1575G>A (NM_001042355.2, NM_001042412.3, NM_001378744.1 and 12 more transcripts).
Identifiers: ClinVar variation 319523 (VCV000319523.29), dbSNP rs184344245, ClinGen allele CA10637881.